The following is an entry in ClinVar:

ClinVar aggregate classification (germline): Uncertain significance (1 of 4 stars; one submission).

Conditions:
Pitt-Hopkins-like syndrome 2 (PTHSL2). Identifiers: Orphanet 221150, Orphanet 600663, MedGen C3280479, MONDO:0013690, OMIM 614325.

Submission:

Labcorp Genetics (formerly Invitae), Labcorp
Classification: Uncertain significance for Pitt-Hopkins-like syndrome 2. Last evaluated: 2025-04-02. Review status: criteria provided, single submitter. Criteria: Invitae Variant Classification Sherloc (09022015). Collection method: clinical testing. Allele origin: germline.
Comment: This variant, c.671_676dup, results in the insertion of 2 amino acid(s) of the NRXN1 protein (p.Glu224_Gly225dup), but otherwise preserves the integrity of the reading frame. This variant is not present in population databases (gnomAD no frequency). This variant has not been reported in the literature in individuals affected with NRXN1-related conditions. Experimental studies and prediction algorithms are not available or were not evaluated, and the functional significance of this variant is currently unknown. In summary, the available evidence is currently insufficient to determine the role of this variant in disease. Therefore, it has been classified as a Variant of Uncertain Significance.

NM_001330078.2(NRXN1):c.665AGGGCG[3] (p.222EG[3])

Gene: NRXN1 (neurexin 1; minus strand). Cytogenetic location: 2p16.3.
Variant type: Microsatellite.
Coding change: c.665AGGGCG[3] on transcript NM_001330078.2 (MANE Select); three copies in a row of the 6-base unit AGGGCG starting at c.665; the reference has two copies in a row; one copy, 6 bases duplicated.
Protein change: p.222EG[3].
Molecular consequence: inframe insertion.
Genome position (GRCh38, 1-based): chr2:51,027,598-51,027,603, CGCCCT duplicated on the plus strand (AGGGCG on the coding strand, the reverse complement: NRXN1 is on the minus strand); duplicating any 6 consecutive bases within chr2:51,027,598-51,027,610 gives the same sequence; the position shown is the placement nearest the transcript's 3' end. VCF-style (leftmost placement, unchanged base first): chr2-51027597-C-CCGCCCT. GRCh37 (hg19) VCF-style: chr2-51254735-C-CCGCCCT.
Other names: c.665AGGGCG[3], p.222EG[3] (NM_001330079.2, NM_001330081.2, NM_001330082.2 and 15 more transcripts).
Identifiers: ClinVar variation 1348659 (VCV001348659.8), dbSNP rs2105327390, ClinGen allele CA2580611638.